The following is an entry in ClinVar:

ClinVar aggregate classification (germline): Uncertain significance (1 of 4 stars; one submission).

Conditions:
Polycystic kidney disease, adult type (PKD1). Also called: POLYCYSTIC KIDNEY DISEASE, ADULT, TYPE I; Polycystic Kidney Disease 1, Autosomal Dominant; Polycystic kidney disease 1; Polycystic kidney disease 1, severe; Polycystic Kidney, Autosomal Dominant; POLYCYSTIC KIDNEY DISEASE 1 WITH OR WITHOUT POLYCYSTIC LIVER DISEASE. Identifiers: MedGen C3149841, MONDO:0008263, OMIM 173900.

Submission:

Victorian Clinical Genetics Services, Murdoch Childrens Research Institute
Classification: Uncertain significance for Polycystic kidney disease, adult type. Last evaluated: 2024-10-09. Review status: criteria provided, single submitter. Criteria: ACMG Guidelines, 2015. Collection method: clinical testing. Allele origin: germline. Inheritance: Autosomal dominant inheritance. Affected: yes.
Comment: Based on the classification scheme VCGS_Germline_v1.3.4, this variant is classified as VUS-3A. Following criteria are met: 0102 - Loss of function is a known mechanism of disease in this gene and is associated with polycystic kidney disease 1 (MIM#173900). (I) 0107 - This gene is associated with autosomal dominant disease. Polycystic kidney disease 1 (MIM#173900) is predominantly caused by monoallelic variants, with rare reports of biallelic variants causing disease (OMIM). (I) 0200 - Variant is predicted to result in a missense amino acid change from phenylalanine to serine. (I) 0251 - This variant is heterozygous. (I) 0301 - Variant is absent from gnomAD (both v2 and v3). (SP) 0501 - Missense variant consistently predicted to be damaging by multiple in silico tools or highly conserved with a major amino acid change. (SP) 0604 - Variant is not located in an established domain, motif, hotspot or informative constraint region. (I) 0705 - No comparable missense variants have previous evidence for pathogenicity. (I) 0807 - This variant has no previous evidence of pathogenicity. (I) 0905 - No published segregation evidence has been identified for this variant. (I) 1007 - No published functional evidence has been identified for this variant. (I) 1208 - Inheritance information for this variant is not currently available in this individual. (I) Legend: (SP) - Supporting pathogenic, (I) - Information, (SB) - Supporting benign

NM_001009944.3(PKD1):c.8501T>C (p.Phe2834Ser)

Gene: PKD1 (polycystin 1, transient receptor potential channel interacting; minus strand). Cytogenetic location: 16p13.3.
Variant type: single nucleotide variant.
Coding change: c.8501T>C on transcript NM_001009944.3 (MANE Select); coding-DNA position 8501, T replaced by C.
Protein change: p.Phe2834Ser; replaces phenylalanine 2834 with serine.
Molecular consequence: missense variant.
Genome position (GRCh38, 1-based): chr16:2,103,556, A>G on the plus strand (T>C on the coding strand, the complement: PKD1 is on the minus strand). VCF-style: chr16-2103556-A-G. GRCh37 (hg19) VCF-style: chr16-2153557-A-G.
Other names: c.8501T>C, p.Phe2834Ser (NM_000296.4); short protein forms F2834S.
Identifiers: ClinVar variation 3376936 (VCV003376936.1).